The following is an entry in ClinVar:

NM_004360.5(CDH1):c.731A>T (p.Asp244Val)

Gene: CDH1 (cadherin 1; plus strand). Cytogenetic location: 16q22.1.
Variant type: single nucleotide variant.
Coding change: c.731A>T on transcript NM_004360.5 (MANE Select); coding-DNA position 731, A replaced by T.
Protein change: p.Asp244Val; replaces aspartic acid 244 with valine.
Molecular consequence: missense variant. On other transcripts: 5 prime UTR variant (2).
Genome position (GRCh38, 1-based): chr16:68,810,240, A>T. VCF-style: chr16-68810240-A-T. GRCh37 (hg19) VCF-style: chr16-68844143-A-T.
Other names: c.731A>T, p.Asp244Val (NM_001317184.2); c.-885A>T (NM_001317185.2); c.-1089A>T (NM_001317186.2); short protein forms D244V.
Identifiers: ClinVar variation 3224186 (VCV003224186.1), dbSNP rs1064794231, ClinGen allele CA396458502.
Genomic context (GRCh38, chr16:68,810,240, plus strand): 5'-TCACTTGGTTCTTTCAGCTCTTCTCTCACGCTGTGTCATCCAACGGGAATGCAGTTGAGG[A>T]TCCAATGGAGATTTTGATCACGGTAACCGATCAGAATGACAACAAGCCCGAATTCACCCA-3'
Protein context (NP_004351.1, residues 234-254): AVSSNGNAVE[Asp244Val]PMEILITVTD

ClinVar aggregate classification (germline): Uncertain significance (1 of 4 stars; one submission).

Conditions:
Hereditary cancer-predisposing syndrome. Also called: Tumor predisposition; Hereditary neoplastic syndrome; Hereditary Cancer Syndrome; Neoplastic Syndromes, Hereditary. Identifiers: Orphanet 140162, MedGen C0027672, MeSH D009386, MONDO:0015356.

Submission:

Ambry Genetics
Classification: Uncertain significance for Hereditary cancer-predisposing syndrome. Last evaluated: 2023-11-14. Review status: criteria provided, single submitter. Criteria: Ambry Variant Classification Scheme 2023. Collection method: clinical testing. Allele origin: germline.
Comment: The p.D244V variant (also known as c.731A>T), located in coding exon 6 of the CDH1 gene, results from an A to T substitution at nucleotide position 731. The aspartic acid at codon 244 is replaced by valine, an amino acid with highly dissimilar properties. This amino acid position is not well conserved in available vertebrate species. In addition, this alteration is predicted to be tolerated by in silico analysis. Since supporting evidence is limited at this time, the clinical significance of this alteration remains unclear.